The following is an entry in ClinVar:

NM_005026.5(PIK3CD):c.850G>A (p.Ala284Thr)

Gene: PIK3CD (phosphatidylinositol-4,5-bisphosphate 3-kinase catalytic subunit delta; plus strand). Cytogenetic location: 1p36.22.
Variant type: single nucleotide variant.
Coding change: c.850G>A on transcript NM_005026.5 (MANE Select); coding-DNA position 850, G replaced by A.
Protein change: p.Ala284Thr; replaces alanine 284 with threonine.
Molecular consequence: missense variant. On other transcripts: intron variant (1).
Genome position (GRCh38, 1-based): chr1:9,717,028, G>A. VCF-style: chr1-9717028-G-A. GRCh37 (hg19) VCF-style: chr1-9777086-G-A.
Other names: c.850G>A, p.Ala284Thr (NM_001350234.2); c.781-18G>A (NM_001350235.1); short protein forms A284T.
Identifiers: ClinVar variation 2992611 (VCV002992611.3), dbSNP rs767202630, ClinGen allele CA576997.

ClinVar aggregate classification (germline): Uncertain significance (1 of 4 stars; one submission).

Conditions:
Immunodeficiency 14 (IMD14A). Also called: ACTIVATED PI3K-DELTA SYNDROME 1; p110-DELTA-ACTIVATING MUTATION CAUSING SENESCENT T CELLS, LYMPHADENOPATHY, AND IMMUNODEFICIENCY; Activated PI3K Delta Syndrome Type 1 (APDS1); IMMUNODEFICIENCY 14A WITH LYMPHOPROLIFERATION, AUTOSOMAL DOMINANT. Identifiers: Orphanet 397596, Orphanet 693661, MedGen C5907821, MONDO:0014222, OMIM 615513.

Allele frequency attached by ClinVar (database versions not stated): TOPMed below 0.00001; ExAC 0.00001; gnomAD exomes below 0.00001.
gnomAD v4.1: 4 of 1,613,812 alleles (0.00025%); highest among the groups gnomAD compares: South Asian, 0.0011%; no homozygotes.

Submission:

Labcorp Genetics (formerly Invitae), Labcorp
Classification: Uncertain significance for Activated PI3K-delta syndrome. Last evaluated: 2023-12-10. Review status: criteria provided, single submitter. Criteria: Invitae Variant Classification Sherloc (09022015). Collection method: clinical testing. Allele origin: germline.
Comment: This sequence change replaces alanine, which is neutral and non-polar, with threonine, which is neutral and polar, at codon 284 of the PIK3CD protein (p.Ala284Thr). This variant is present in population databases (rs767202630, gnomAD 0.0009%). This variant has not been reported in the literature in individuals affected with PIK3CD-related conditions. Advanced modeling of protein sequence and biophysical properties (such as structural, functional, and spatial information, amino acid conservation, physicochemical variation, residue mobility, and thermodynamic stability) performed at Invitae indicates that this missense variant is not expected to disrupt PIK3CD protein function with a negative predictive value of 80%. In summary, the available evidence is currently insufficient to determine the role of this variant in disease. Therefore, it has been classified as a Variant of Uncertain Significance.